The following is an entry in ClinVar:

ClinVar aggregate classification (germline): Uncertain significance (1 of 4 stars; one submission).

Submission:

Labcorp Genetics (formerly Invitae), Labcorp
Classification: Uncertain significance. Last evaluated: 2022-09-07. Review status: criteria provided, single submitter. Criteria: Invitae Variant Classification Sherloc (09022015). Collection method: clinical testing. Allele origin: germline.
Comment: This sequence change creates a premature translational stop signal (p.Ser1229Thrfs*5) in the SUCO gene. While this is not anticipated to result in nonsense mediated decay, it is expected to disrupt the last 26 amino acid(s) of the SUCO protein. This variant is not present in population databases (gnomAD no frequency). This variant has not been reported in the literature in individuals affected with SUCO-related conditions. In summary, the available evidence is currently insufficient to determine the role of this variant in disease. Therefore, it has been classified as a Variant of Uncertain Significance.

NM_014283.5(SUCO):c.3686del (p.Ser1229fs)

Gene: SUCO (SUN domain containing ossification factor; plus strand). Cytogenetic location: 1q24.3.
Variant type: Deletion.
Coding change: c.3686del on transcript NM_014283.5 (MANE Select); coding-DNA position 3686, one base deleted (G; older notation c.3686delG).
Protein change: p.Ser1229fs; shifts the reading frame from serine 1229.
Molecular consequence: frameshift variant.
Genome position (GRCh38, 1-based): chr1:172,610,180, G deleted. VCF-style (leftmost placement, unchanged base first): chr1-172610179-AG-A. GRCh37 (hg19) VCF-style: chr1-172579319-AG-A.
Other names: c.2573del, p.Ser858fs (NM_001282750.2); c.1997del, p.Ser666fs (NM_001282751.2); c.4139del, p.Ser1380fs (NM_016227.4); short protein forms S1229fs, S666fs, S858fs, S1380fs.
Identifiers: ClinVar variation 2029516 (VCV002029516.4), dbSNP rs2527518266, ClinGen allele CA2580061370.